The following is an entry in ClinVar:

ClinVar aggregate classification (germline): Likely benign (1 of 4 stars; one submission).

gnomAD v4.1: 68 of 1,613,808 alleles (0.0042%); highest among the groups gnomAD compares: Non-Finnish European, 0.0053%; no homozygotes.

Submission:

CeGaT Center for Human Genetics Tuebingen
Classification: Likely benign. Last evaluated: 2025-05-01. Review status: criteria provided, single submitter. Criteria: CeGaT Center For Human Genetics Tuebingen Variant Classification Criteria Version 2. Collection method: clinical testing. Allele origin: germline. Affected: yes. Observed: 1 variant allele.
Comment: RFX7: BP4, BS2

NM_022841.7(RFX7):c.4257A>C (p.Thr1419=)

Gene: RFX7 (regulatory factor X7; minus strand). Cytogenetic location: 15q21.3.
Variant type: single nucleotide variant.
Coding change: c.4257A>C on transcript NM_022841.7 (MANE Select); coding-DNA position 4257, A replaced by C.
Protein change: p.Thr1419=; no amino-acid change (threonine 1419 retained).
Molecular consequence: synonymous variant. On other transcripts: intron variant (1).
Genome position (GRCh38, 1-based): chr15:56,093,471, T>G on the plus strand (A>C on the coding strand, the complement: RFX7 is on the minus strand). VCF-style: chr15-56093471-T-G. GRCh37 (hg19) VCF-style: chr15-56385669-T-G.
Other names: c.3966A>C, p.Thr1322= (NM_001368073.2, NM_001368074.1); c.4257A>C, p.Thr1419= (NM_001370561.1); c.3804+162A>C (NM_001370554.1).
Identifiers: ClinVar variation 3905305 (VCV003905305.10).
Genomic context (GRCh38, chr15:56,093,471, plus strand): 5'-AGAATTCATGGATTCACTGCAAATTTGTTGAAATAATGGGTCATTCTTTAATTCTTCCAG[T>G]GTAGCTTCATCATCTTGTCCCTGCTGACGACCTGGATCAAACAGTAGATTTGGGTCTAAA-3'
Protein context (NP_073752.6, residues 1409-1429): GRQQGQDDEA[Thr1419=]LEELKNDPLF